The following is an entry in ClinVar:

NM_014679.5(CEP57):c.1408C>T (p.Pro470Ser)

Gene: CEP57 (centrosomal protein 57; plus strand). Cytogenetic location: 11q21.
Variant type: single nucleotide variant.
Coding change: c.1408C>T on transcript NM_014679.5 (MANE Select); coding-DNA position 1408, C replaced by T.
Protein change: p.Pro470Ser; replaces proline 470 with serine.
Molecular consequence: missense variant.
Genome position (GRCh38, 1-based): chr11:95,831,161, C>T. VCF-style: chr11-95831161-C-T. GRCh37 (hg19) VCF-style: chr11-95564325-C-T.
Other names: c.1381C>T, p.Pro461Ser (NM_001243776.2); c.1330C>T, p.Pro444Ser (NM_001243777.2); c.1327C>T, p.Pro443Ser (NM_001363604.2, NM_001440869.1, NM_001440870.1); c.1300C>T, p.Pro434Ser (NM_001440871.1); c.1291C>T, p.Pro431Ser (NM_001440872.1); c.1228C>T, p.Pro410Ser (NM_001440873.1); c.1222C>T, p.Pro408Ser (NM_001440874.1); c.1219C>T, p.Pro407Ser (NM_001440875.1); and 6 more; short protein forms P369S, P371S, P383S, P395S, P404S, P405S, P407S, P408S.
Identifiers: ClinVar variation 4868765 (VCV004868765.1).

ClinVar aggregate classification (germline): Uncertain significance (1 of 4 stars; one submission).

Conditions:
Inborn genetic diseases. Identifiers: MedGen C0950123, MeSH D030342.

Submission:

Ambry Genetics
Classification: Uncertain significance for Inborn genetic diseases. Last evaluated: 2026-05-14. Review status: criteria provided, single submitter. Criteria: Ambry Variant Classification Scheme 2023. Collection method: clinical testing. Allele origin: germline.
Comment: The p.P470S variant (also known as c.1408C>T), located in coding exon 11 of the CEP57 gene, results from a C to T substitution at nucleotide position 1408. The proline at codon 470 is replaced by serine, an amino acid with similar properties. This amino acid position is conserved. In addition, this alteration is predicted to be tolerated by in silico analysis. Based on the available evidence, the clinical significance of this variant remains unclear.